The following is an entry in ClinVar:

ClinVar aggregate classification (germline): Uncertain significance (1 of 4 stars; one submission).

Submission:

Labcorp Genetics (formerly Invitae), Labcorp
Classification: Uncertain significance. Last evaluated: 2022-03-16. Review status: criteria provided, single submitter. Criteria: Invitae Variant Classification Sherloc (09022015). Collection method: clinical testing. Allele origin: germline.
Comment: This variant is not present in population databases (gnomAD no frequency). This sequence change replaces valine, which is neutral and non-polar, with aspartic acid, which is acidic and polar, at codon 339 of the TGFB1 protein (p.Val339Asp). This variant has not been reported in the literature in individuals affected with TGFB1-related conditions. Algorithms developed to predict the effect of missense changes on protein structure and function are either unavailable or do not agree on the potential impact of this missense change (SIFT: "Deleterious"; PolyPhen-2: "Probably Damaging"; Align-GVGD: "Class C15"). In summary, the available evidence is currently insufficient to determine the role of this variant in disease. Therefore, it has been classified as a Variant of Uncertain Significance.

NM_000660.7(TGFB1):c.1016T>A (p.Val339Asp)

Gene: TGFB1 (transforming growth factor beta 1; minus strand). Cytogenetic location: 19q13.2.
Variant type: single nucleotide variant.
Coding change: c.1016T>A on transcript NM_000660.7 (MANE Select); coding-DNA position 1016, T replaced by A.
Protein change: p.Val339Asp; replaces valine 339 with aspartic acid.
Molecular consequence: missense variant.
Genome position (GRCh38, 1-based): chr19:41,331,209, A>T on the plus strand (T>A on the coding strand, the complement: TGFB1 is on the minus strand). VCF-style: chr19-41331209-A-T. GRCh37 (hg19) VCF-style: chr19-41837114-A-T.
Other names: short protein forms V339D.
Identifiers: ClinVar variation 2113033 (VCV002113033.4), dbSNP rs2513372058, ClinGen allele CA405997994.